The following is an entry in ClinVar:

NM_015338.6(ASXL1):c.3227T>C (p.Ile1076Thr)

Gene: ASXL1 (ASXL transcriptional regulator 1; plus strand). Cytogenetic location: 20q11.21.
Variant type: single nucleotide variant.
Coding change: c.3227T>C on transcript NM_015338.6 (MANE Select); coding-DNA position 3227, T replaced by C.
Protein change: p.Ile1076Thr; replaces isoleucine 1076 with threonine.
Molecular consequence: missense variant.
Genome position (GRCh38, 1-based): chr20:32,435,939, T>C. VCF-style: chr20-32435939-T-C. GRCh37 (hg19) VCF-style: chr20-31023742-T-C.
Other names: c.3044T>C, p.Ile1015Thr (NM_001363734.1); short protein forms I1015T, I1076T.
Identifiers: ClinVar variation 2507304 (VCV002507304.4), dbSNP rs2515577770, ClinGen allele CA408562617.

ClinVar aggregate classification (germline): Uncertain significance. Review status: criteria provided, multiple submitters, no conflicts (2 of 4 stars). 2 submissions from 2 submitters: Uncertain significance (2). Last evaluated 2024-10-03.

Allele frequency attached by ClinVar (database versions not stated): gnomAD exomes below 0.00001.
gnomAD v4.1: 3 of 1,614,098 alleles (0.00019%); highest among the groups gnomAD compares: Non-Finnish European, 0.00017%; no homozygotes.

Submissions (2):

Labcorp Genetics (formerly Invitae), Labcorp
Classification: Uncertain significance. Last evaluated: 2024-10-03. Review status: criteria provided, single submitter. Criteria: Invitae Variant Classification Sherloc (09022015). Collection method: clinical testing. Allele origin: germline.
Comment: This sequence change replaces isoleucine, which is neutral and non-polar, with threonine, which is neutral and polar, at codon 1076 of the ASXL1 protein (p.Ile1076Thr). This variant is not present in population databases (gnomAD no frequency). This variant has not been reported in the literature in individuals affected with ASXL1-related conditions. ClinVar contains an entry for this variant (Variation ID: 2507304). An algorithm developed to predict the effect of missense changes on protein structure and function outputs the following: PolyPhen-2: "Benign". The threonine amino acid residue is found in multiple mammalian species, which suggests that this missense change does not adversely affect protein function. In summary, the available evidence is currently insufficient to determine the role of this variant in disease. Therefore, it has been classified as a Variant of Uncertain Significance.

GeneDx
Classification: Uncertain significance. Last evaluated: 2022-12-29. Review status: criteria provided, single submitter. Criteria: GeneDx Variant Classification Process June 2021. Collection method: clinical testing. Allele origin: germline. Affected: yes.
Comment: Not observed at significant frequency in large population cohorts (gnomAD); In silico analysis supports that this missense variant does not alter protein structure/function; Has not been previously published as pathogenic or benign to our knowledge